The following is an entry in ClinVar:

ClinVar aggregate classification (germline): Uncertain significance (1 of 4 stars; one submission).

Conditions:
Leigh syndrome (NULS). Also called: Leigh's necrotizing encephalopathy; Leigh's disease; Leigh Syndrome (mtDNA deletion); Leigh Disease; Subacute necrotizing encephalopathy; Necrotizing encephalopathy infantile subacute of Leigh. Identifiers: Orphanet 506, MedGen C2931891, MONDO:0009723, OMIM 256000.

Submission:

Wong Mito Lab, Molecular and Human Genetics, Baylor College of Medicine
Classification: Uncertain significance for Leigh syndrome. Last evaluated: 2019-10-17. Review status: criteria provided, single submitter. Criteria: Modified ACMG Guidelines (Unpublished). Collection method: clinical testing. Allele origin: germline.
Comment: The NC_012920.1:m.13099G>A (YP_003024036.1:p.Ala255Thr) variant in MTND5 gene is interpretated to be a Uncertain Significance variant based on the modified ACMG guidelines (unpublished). This variant meets the following evidence codes: no criteria

NC_012920.1(MT-ND5):m.13099G>A

Gene: MT-ND5 (mitochondrially encoded NADH dehydrogenase 5; plus strand).
Variant type: single nucleotide variant.
Genome position: chrM-13099-G-A.
Identifiers: ClinVar variation 693518 (VCV000693518.1), dbSNP rs1603224033, ClinGen allele CA414816548.